The following is an entry in ClinVar:

ClinVar aggregate classification (germline): Uncertain significance (1 of 4 stars; one submission).

Conditions:
Hereditary cancer-predisposing syndrome. Also called: Tumor predisposition; Hereditary neoplastic syndrome; Hereditary Cancer Syndrome; Neoplastic Syndromes, Hereditary. Identifiers: Orphanet 140162, MedGen C0027672, MeSH D009386, MONDO:0015356.

Allele frequency attached by ClinVar (database versions not stated): gnomAD exomes below 0.00001.
gnomAD v4.1: 1 of 1,614,134 alleles (0.000062%); highest among the groups gnomAD compares: East Asian, 0.0022%; no homozygotes.

Submission:

Ambry Genetics
Classification: Uncertain significance for Hereditary cancer-predisposing syndrome. Last evaluated: 2023-09-20. Review status: criteria provided, single submitter. Criteria: Ambry Variant Classification Scheme 2023. Collection method: clinical testing. Allele origin: germline.
Comment: The p.M281T variant (also known as c.842T>C), located in coding exon 5 of the MSH3 gene, results from a T to C substitution at nucleotide position 842. The methionine at codon 281 is replaced by threonine, an amino acid with similar properties. This amino acid position is conserved. In addition, the in silico prediction for this alteration is inconclusive. Since supporting evidence is limited at this time, the clinical significance of this alteration remains unclear.

NM_002439.5(MSH3):c.842T>C (p.Met281Thr)

Gene: MSH3 (mutS homolog 3; plus strand). Cytogenetic location: 5q14.1.
Variant type: single nucleotide variant.
Coding change: c.842T>C on transcript NM_002439.5 (MANE Select); coding-DNA position 842, T replaced by C.
Protein change: p.Met281Thr; replaces methionine 281 with threonine.
Molecular consequence: missense variant.
Genome position (GRCh38, 1-based): chr5:80,672,293, T>C. VCF-style: chr5-80672293-T-C. GRCh37 (hg19) VCF-style: chr5-79968112-T-C.
Other names: short protein forms M281T.
Identifiers: ClinVar variation 3222313 (VCV003222313.1), dbSNP rs2546722389, ClinGen allele CA360267160.